The following is an entry in ClinVar:

ClinVar aggregate classification (germline): Uncertain significance. Review status: criteria provided, single submitter (1 of 4 stars). 2 submissions from 2 submitters: Uncertain significance (1). 1 of the submissions does not count toward it. Last evaluated 2025-03-12.

Conditions:
Hearing loss. Identifiers: MedGen C3887873.
USH2A-related disorder. Also called: USH2A-related disorders; USH2A-related condition. Identifiers: MedGen CN239332.

Allele frequency attached by ClinVar (database versions not stated): gnomAD 0.00001; TOPMed 0.00002.
gnomAD v4.1: 5 of 1,613,102 alleles (0.00031%); highest among the groups gnomAD compares: Admixed American, 0.005%; no homozygotes.

Submissions (2):

Clinical Genetics Laboratory, Skane University Hospital Lund
Classification: Uncertain significance for Hearing loss. Last evaluated: 2025-03-12. Review status: criteria provided, single submitter. Criteria: ACMG Guidelines, 2015. Collection method: clinical testing. Allele origin: germline. Affected: yes.
Comment: ACMG criteria used: PM2, BP4

PreventionGenetics, part of Exact Sciences
Classification: Likely benign for USH2A-related condition. Last evaluated: 2022-08-29. Review status: no assertion criteria provided. Collection method: clinical testing. Allele origin: germline. Not counted in ClinVar's aggregate classification.
Comment: This variant is classified as likely benign based on ACMG/AMP sequence variant interpretation guidelines (Richards et al. 2015 PMID: 25741868, with internal and published modifications).

NM_206933.4(USH2A):c.9055+3G>A

Gene: USH2A (usherin; minus strand). Cytogenetic location: 1q41.
Variant type: single nucleotide variant.
Coding change: c.9055+3G>A on transcript NM_206933.4 (MANE Select); 3 bases into the intron after coding-DNA position 9055, G replaced by A.
Molecular consequence: intron variant.
Genome position (GRCh38, 1-based): chr1:215,845,821, C>T on the plus strand (G>A on the coding strand, the complement: USH2A is on the minus strand). VCF-style: chr1-215845821-C-T. GRCh37 (hg19) VCF-style: chr1-216019163-C-T.
Identifiers: ClinVar variation 3054019 (VCV003054019.3), dbSNP rs770595289, ClinGen allele CA528713425.